The following is an entry in ClinVar:

ClinVar aggregate classification (germline): Uncertain significance. Review status: criteria provided, multiple submitters, no conflicts (2 of 4 stars). 3 submissions from 3 submitters: Uncertain significance (3). Last evaluated 2024-11-18.

Conditions:
Cardiac arrhythmia. Also called: Cardiac rhythm disease; Arrhythmia. Identifiers: MedGen C0003811, MONDO:0007263, HP:0011675.
Long QT syndrome (LQTS). Identifiers: MedGen C0023976, MeSH D008133, MONDO:0002442. Disease mechanism: loss of function. Inheritance: Various modes of inheritance.

Allele frequency attached by ClinVar (database versions not stated): gnomAD exomes below 0.00001 and 0.00001; ExAC 0.00001.
gnomAD v4.1: 10 of 1,614,210 alleles (0.00062%); highest among the groups gnomAD compares: Middle Eastern, 0.033%; no homozygotes.

Submissions (3):

Labcorp Genetics (formerly Invitae), Labcorp
Classification: Uncertain significance for Long QT syndrome. Last evaluated: 2024-11-18. Review status: criteria provided, single submitter. Criteria: Invitae Variant Classification Sherloc (09022015). Collection method: clinical testing. Allele origin: germline.
Comment: This sequence change replaces tyrosine, which is neutral and polar, with histidine, which is basic and polar, at codon 327 of the KCNH2 protein (p.Tyr327His). This variant is present in population databases (rs776431167, gnomAD 0.0009%). This variant has not been reported in the literature in individuals affected with KCNH2-related conditions. ClinVar contains an entry for this variant (Variation ID: 629260). An algorithm developed to predict the effect of missense changes on protein structure and function (PolyPhen-2) suggests that this variant is likely to be disruptive. In summary, the available evidence is currently insufficient to determine the role of this variant in disease. Therefore, it has been classified as a Variant of Uncertain Significance.

All of Us Research Program, National Institutes of Health
Classification: Uncertain significance for Long QT syndrome. Last evaluated: 2024-04-16. Review status: criteria provided, single submitter. Criteria: ACMG Guidelines, 2015. Collection method: clinical testing. Allele origin: germline. Inheritance: Autosomal dominant inheritance. Observed: 2 variant alleles, 2 heterozygotes.
Comment: This missense variant replaces tyrosine with histidine at codon 327 of the KCNH2 protein. Computational prediction is inconclusive regarding the impact of this variant on protein structure and function (internally defined REVEL score threshold 0.5 < inconclusive < 0.7, PMID: 27666373). To our knowledge, functional studies have not been reported for this variant. This variant has not been reported in individuals affected with cardiovascular disorders in the literature. This variant has been identified in 1/250844 chromosomes in the general population by the Genome Aggregation Database (gnomAD). The available evidence is insufficient to determine the role of this variant in disease conclusively. Therefore, this variant is classified as a Variant of Uncertain Significance.

This study involves interpretation of variants in research participants for the purpose of population health screening. Participant phenotype was not available at the time of variant classification. Additional details can be found in publication PMID: 35346344, PMCID: PMC8962531

Color Diagnostics, LLC DBA Color Health
Classification: Uncertain significance for Cardiac arrhythmia. Last evaluated: 2024-03-07. Review status: criteria provided, single submitter. Criteria: ACMG Guidelines, 2015. Collection method: clinical testing. Allele origin: germline.
Comment: This missense variant replaces tyrosine with histidine at codon 327 of the KCNH2 protein. Computational prediction is inconclusive regarding the impact of this variant on protein structure and function (internally defined REVEL score threshold 0.5 < inconclusive < 0.7, PMID: 27666373). To our knowledge, functional studies have not been reported for this variant. This variant has not been reported in individuals affected with cardiovascular disorders in the literature. This variant has been identified in 1/250844 chromosomes in the general population by the Genome Aggregation Database (gnomAD). The available evidence is insufficient to determine the role of this variant in disease conclusively. Therefore, this variant is classified as a Variant of Uncertain Significance.

NM_000238.4(KCNH2):c.979T>C (p.Tyr327His)

Gene: KCNH2 (potassium voltage-gated channel subfamily H member 2; minus strand). Cytogenetic location: 7q36.1.
Variant type: single nucleotide variant.
Coding change: c.979T>C on transcript NM_000238.4 (MANE Select); coding-DNA position 979, T replaced by C.
Protein change: p.Tyr327His; replaces tyrosine 327 with histidine.
Molecular consequence: missense variant.
Genome position (GRCh38, 1-based): chr7:150,957,440, A>G on the plus strand (T>C on the coding strand, the complement: KCNH2 is on the minus strand). VCF-style: chr7-150957440-A-G. GRCh37 (hg19) VCF-style: chr7-150654528-A-G.
Other names: c.691T>C, p.Tyr231His (NM_001406753.1, NM_001406756.1); c.802T>C, p.Tyr268His (NM_001406755.1); c.679T>C, p.Tyr227His (NM_001406757.1); c.979T>C, p.Tyr327His (NM_172056.3); short protein forms Y327H, Y227H, Y231H, Y268H.
Identifiers: ClinVar variation 629260 (VCV000629260.14), dbSNP rs776431167, ClinGen allele CA041333.
Genomic context (GRCh38, chr7:150,957,440, plus strand): 5'-GGTCGCCCTTGAGGTCCACAAAGTTGAGGGTGATTTGGGGAATCTTGCTAATGGTGCGGT[A>G]GCGCACGAGGTCGGAGTCCGAGGTGGAGTTGAGCAAGCCGCTGCGCAGTGGGTGCATGGC-3'
Protein context (NP_000229.1, residues 317-337): NSTSDSDLVR[Tyr327His]RTISKIPQIT